The following is an entry in ClinVar:

ClinVar aggregate classification (germline): Likely pathogenic (1 of 4 stars; one submission).

Conditions:
Alstrom syndrome (ALMS). Identifiers: Orphanet 64, MedGen C0268425, MONDO:0008763, OMIM 203800.

Submission:

Labcorp Genetics (formerly Invitae), Labcorp
Classification: Likely pathogenic for Alstrom syndrome. Last evaluated: 2021-11-06. Review status: criteria provided, single submitter. Criteria: Invitae Variant Classification Sherloc (09022015). Collection method: clinical testing. Allele origin: germline.
Comment: This sequence change affects an acceptor splice site in intron 7 of the ALMS1 gene. It is expected to disrupt RNA splicing. Variants that disrupt the donor or acceptor splice site typically lead to a loss of protein function (PMID: 16199547), and loss-of-function variants in ALMS1 are known to be pathogenic (PMID: 17594715). This variant is not present in population databases (gnomAD no frequency). This variant has not been reported in the literature in individuals affected with ALMS1-related conditions. In summary, the currently available evidence indicates that the variant is pathogenic, but additional data are needed to prove that conclusively. Therefore, this variant has been classified as Likely Pathogenic.

Literature cited by the submitters: PubMed 16199547; PubMed 17594715.

NM_001378454.1(ALMS1):c.1433-2A>G

Gene: ALMS1 (ALMS1 centrosome and basal body associated protein; plus strand). Cytogenetic location: 2p13.1.
Variant type: single nucleotide variant.
Coding change: c.1433-2A>G on transcript NM_001378454.1 (MANE Select); the canonical splice acceptor site of the intron before coding-DNA position 1433, A replaced by G.
Molecular consequence: splice acceptor variant.
Genome position (GRCh38, 1-based): chr2:73,447,958, A>G. VCF-style: chr2-73447958-A-G. GRCh37 (hg19) VCF-style: chr2-73675088-A-G.
Other names: c.1433-2A>G (NM_015120.4).
Identifiers: ClinVar variation 1472778 (VCV001472778.6), dbSNP rs2103770992, ClinGen allele CA347264364.